The following is an entry in ClinVar:

NM_000557.5(GDF5):c.1283A>C (p.His428Pro)

Genes: GDF5-AS1 (GDF5 antisense RNA 1; plus strand), GDF5 (growth differentiation factor 5; minus strand). Cytogenetic location: 20q11.22.
Variant type: single nucleotide variant.
Coding change: c.1283A>C on transcript NM_000557.5 (MANE Select); coding-DNA position 1283, A replaced by C.
Protein change: p.His428Pro; replaces histidine 428 with proline.
Molecular consequence: missense variant. On other transcripts: non-coding transcript variant (1).
Genome position (GRCh38, 1-based): chr20:35,434,132, T>G on the plus strand (A>C on the coding strand, the complement: GDF5 is on the minus strand). VCF-style: chr20-35434132-T-G. GRCh37 (hg19) VCF-style: chr20-34021930-T-G.
Other names: c.1283A>C, p.His428Pro (NM_001319138.2); short protein forms H428P.
Identifiers: ClinVar variation 2711801 (VCV002711801.3), dbSNP rs2146578597, ClinGen allele CA408738597.

ClinVar aggregate classification (germline): Uncertain significance (1 of 4 stars; one submission).

Submission:

Labcorp Genetics (formerly Invitae), Labcorp
Classification: Uncertain significance. Last evaluated: 2023-06-11. Review status: criteria provided, single submitter. Criteria: Invitae Variant Classification Sherloc (09022015). Collection method: clinical testing. Allele origin: germline.
Comment: In summary, the available evidence is currently insufficient to determine the role of this variant in disease. Therefore, it has been classified as a Variant of Uncertain Significance. Advanced modeling of protein sequence and biophysical properties (such as structural, functional, and spatial information, amino acid conservation, physicochemical variation, residue mobility, and thermodynamic stability) performed at Invitae indicates that this missense variant is expected to disrupt GDF5 protein function. This variant has not been reported in the literature in individuals affected with GDF5-related conditions. This variant is not present in population databases (gnomAD no frequency). This sequence change replaces histidine, which is basic and polar, with proline, which is neutral and non-polar, at codon 428 of the GDF5 protein (p.His428Pro).